The following is an entry in ClinVar:

NM_080732.4(EGLN2):c.899A>G (p.Asn300Ser)

Genes: EGLN2 (egl-9 family hypoxia inducible factor 2; plus strand), RAB4B-EGLN2 (RAB4B-EGLN2 readthrough (NMD candidate); plus strand). Cytogenetic location: 19q13.2.
Variant type: single nucleotide variant.
Coding change: c.899A>G on transcript NM_080732.4 (MANE Select); coding-DNA position 899, A replaced by G.
Protein change: p.Asn300Ser; replaces asparagine 300 with serine.
Molecular consequence: missense variant. On other transcripts: non-coding transcript variant (1).
Genome position (GRCh38, 1-based): chr19:40,806,610, A>G. VCF-style: chr19-40806610-A-G. GRCh37 (hg19) VCF-style: chr19-41312515-A-G.
Other names: c.899A>G, p.Asn300Ser (NM_053046.4); short protein forms N300S.
Identifiers: ClinVar variation 1765372 (VCV001765372.2), dbSNP rs781266947, ClinGen allele CA9452357.

ClinVar aggregate classification (germline): Uncertain significance (1 of 4 stars; one submission).

Allele frequency attached by ClinVar (database versions not stated): gnomAD exomes below 0.00001; TOPMed below 0.00001; ExAC 0.00001.
gnomAD v4.1: 7 of 1,614,142 alleles (0.00043%); highest among the groups gnomAD compares: South Asian, 0.0011%; no homozygotes.

Submission:

Ambry Genetics
Classification: Uncertain significance. Last evaluated: 2024-01-06. Review status: criteria provided, single submitter. Criteria: Ambry Variant Classification Scheme 2023. Collection method: clinical testing. Allele origin: germline.
Comment: The p.N300S variant (also known as c.899A>G), located in coding exon 2 of the EGLN2 gene, results from an A to G substitution at nucleotide position 899. The asparagine at codon 300 is replaced by serine, an amino acid with highly similar properties. This amino acid position is conserved. In addition, this alteration is predicted to be tolerated by in silico analysis. Since supporting evidence is limited at this time, the clinical significance of this alteration remains unclear.